The following is an entry in ClinVar:

ClinVar aggregate classification (germline): Pathogenic. Review status: criteria provided, multiple submitters, no conflicts (2 of 4 stars). 2 submissions from 2 submitters: Pathogenic (2). Last evaluated 2021-09-29.

Conditions:
Hereditary cancer-predisposing syndrome. Also called: Hereditary Cancer Syndrome; Tumor predisposition; Hereditary neoplastic syndrome; Neoplastic Syndromes, Hereditary. Identifiers: Orphanet 140162, MedGen C0027672, MeSH D009386, MONDO:0015356.

Submissions (2):

Labcorp Genetics (formerly Invitae), Labcorp
Classification: Pathogenic for Hereditary cancer-predisposing syndrome. Last evaluated: 2021-09-29. Review status: criteria provided, single submitter. Criteria: Invitae Variant Classification Sherloc (09022015). Collection method: clinical testing. Allele origin: germline.
Comment: For these reasons, this variant has been classified as Pathogenic. Loss-of-function variants in RAD50 are known to be pathogenic (PMID: 16385572, 19409520). This variant has not been reported in the literature in individuals with RAD50-related conditions. This variant is not present in population databases (ExAC no frequency). This sequence change creates a premature translational stop signal (p.Asn931Thrfs*9) in the RAD50 gene. It is expected to result in an absent or disrupted protein product.

Ambry Genetics
Classification: Pathogenic for Hereditary cancer-predisposing syndrome. Last evaluated: 2019-04-19. Review status: criteria provided, single submitter. Criteria: Ambry Variant Classification Scheme 2023. Collection method: clinical testing. Allele origin: germline.
Comment: The c.2792delA pathogenic mutation, located in coding exon 17 of the RAD50 gene, results from a deletion of one nucleotide at nucleotide position 2792, causing a translational frameshift with a predicted alternate stop codon (p.N931Tfs*9). This alteration is expected to result in loss of function by premature protein truncation or nonsense-mediated mRNA decay. As such, this alteration is interpreted as a disease-causing mutation.

Literature cited by the submitters: PubMed 16385572 (cited by Labcorp Genetics (formerly Invitae), Labcorp); PubMed 19409520 (cited by Labcorp Genetics (formerly Invitae), Labcorp).

NM_005732.4(RAD50):c.2792del (p.Asn931fs)

Gene: RAD50 (RAD50 double strand break repair protein; plus strand). Cytogenetic location: 5q31.1.
Variant type: Deletion.
Coding change: c.2792del on transcript NM_005732.4 (MANE Select); coding-DNA position 2792, one base deleted (A; older notation c.2792delA).
Protein change: p.Asn931fs; shifts the reading frame from asparagine 931.
Molecular consequence: frameshift variant.
Genome position (GRCh38, 1-based): chr5:132,608,688, A deleted; the last of 2 consecutive A bases (chr5:132,608,687-132,608,688); deleting either gives the same sequence. VCF-style (leftmost placement, unchanged base first): chr5-132608686-CA-C. GRCh37 (hg19) VCF-style: chr5-131944378-CA-C.
Other names: c.2792delA (NM_005732.3); short protein forms N931fs.
Identifiers: ClinVar variation 645838 (VCV000645838.13), dbSNP rs1581004275, ClinGen allele CA915942549.